The following is an entry in ClinVar:

NM_020435.4(GJC2):c.988C>T (p.Pro330Ser)

Gene: GJC2 (gap junction protein gamma 2; plus strand). Cytogenetic location: 1q42.13.
Variant type: single nucleotide variant.
Coding change: c.988C>T on transcript NM_020435.4 (MANE Select); coding-DNA position 988, C replaced by T.
Protein change: p.Pro330Ser; replaces proline 330 with serine.
Molecular consequence: missense variant.
Genome position (GRCh38, 1-based): chr1:228,158,746, C>T. VCF-style: chr1-228158746-C-T. GRCh37 (hg19) VCF-style: chr1-228346447-C-T.
Other names: short protein forms P330S.
Identifiers: ClinVar variation 2639984 (VCV002639984.24), dbSNP rs2527877971, ClinGen allele CA345100258.

ClinVar aggregate classification (germline): Uncertain significance (1 of 4 stars; one submission).

Submission:

CeGaT Center for Human Genetics Tuebingen
Classification: Uncertain significance. Last evaluated: 2023-07-01. Review status: criteria provided, single submitter. Criteria: CeGaT Center For Human Genetics Tuebingen Variant Classification Criteria Version 2. Collection method: clinical testing. Allele origin: germline. Affected: yes. Observed: 1 variant allele.
Comment: GJC2: PM2, PP2, PP3